The following is an entry in ClinVar:

NM_000535.7(PMS2):c.1569C>G (p.Ser523=)

Gene: PMS2 (PMS1 homolog 2, mismatch repair system component; minus strand). Cytogenetic location: 7p22.1.
Variant type: single nucleotide variant.
Coding change: c.1569C>G on transcript NM_000535.7 (MANE Select); coding-DNA position 1569, C replaced by G.
Protein change: p.Ser523=; no amino-acid change (serine 523 retained).
Molecular consequence: synonymous variant. On other transcripts: non-coding transcript variant (1).
Genome position (GRCh38, 1-based): chr7:5,987,196, G>C on the plus strand (C>G on the coding strand, the complement: PMS2 is on the minus strand). VCF-style: chr7-5987196-G-C. GRCh37 (hg19) VCF-style: chr7-6026827-G-C.
Other names: p.S523S:TCC>TCG; c.1164C>G, p.Ser388= (NM_001322003.2, NM_001322004.2, NM_001322005.2 and 1 more transcripts); c.1413C>G, p.Ser471= (NM_001322006.2); c.1251C>G, p.Ser417= (NM_001322007.2, NM_001322008.2); c.1008C>G, p.Ser336= (NM_001322010.2); c.636C>G, p.Ser212= (NM_001322011.2, NM_001322012.2); c.996C>G, p.Ser332= (NM_001322013.2); c.1569C>G, p.Ser523= (NM_001322014.2); and 1 more.
Identifiers: ClinVar variation 91306 (VCV000091306.93), dbSNP rs141458772, ClinGen allele CA009881.

ClinVar aggregate classification (germline): Likely benign. Review status: reviewed by expert panel (3 of 4 stars). 26 submissions from 26 submitters: Likely benign (1). 25 of the submissions do not count toward it. Last evaluated 2013-09-05.

Conditions:
Hereditary nonpolyposis colorectal neoplasms. Identifiers: MedGen C0009405, MeSH D003123.
Hereditary cancer-predisposing syndrome. Also called: Neoplastic Syndromes, Hereditary; Tumor predisposition; Hereditary Cancer Syndrome; Hereditary neoplastic syndrome. Identifiers: Orphanet 140162, MedGen C0027672, MeSH D009386, MONDO:0015356.
Breast and/or ovarian cancer. Identifiers: MedGen CN221562.
Lynch syndrome. Identifiers: Orphanet 144, MedGen C4552100, MONDO:0005835. Disease mechanism: loss of function.
Ovarian neoplasm. Also called: Neoplasm of ovary; Ovarian tumor; Ovarian Neoplasms. Identifiers: MedGen C0919267, MeSH D010051, MONDO:0021068, HP:0100615.
Lynch syndrome 4 (LYNCH4). Also called: Colorectal cancer, hereditary nonpolyposis, type 4; Hereditary non-polyposis colorectal cancer, type 4. Identifiers: Orphanet 144, MedGen C1838333, MONDO:0013699, OMIM 614337. Disease mechanism: loss of function.
Malignant tumor of breast. Also called: Malignant breast neoplasm; Cancer breast. Identifiers: MedGen C0006142, MONDO:0007254. Disease mechanism: loss of function.

Allele frequency attached by ClinVar (database versions not stated): 1000 Genomes Project 30x 0.00062; 1000 Genomes Project 0.00080; TOPMed 0.00174; ESP Exome Variant Server 0.00208; gnomAD 0.00560.
gnomAD v4.1: 5,723 of 1,614,062 alleles (0.35%); highest among the groups gnomAD compares: Non-Finnish European, 0.24%; 66 homozygotes.

Submissions (26):

International Society for Gastrointestinal Hereditary Tumours (InSiGHT)
Classification: Likely benign for Lynch Syndrome. Last evaluated: 2013-09-05. Review status: reviewed by expert panel. Criteria: Guidelines v1.9. Collection method: research. Allele origin: germline.
Comment: Synonymous variant with no effect on splicing or mRNA expression (treated with NMD inhibitor)

Classified with v1.9 guidelines

CeGaT Center for Human Genetics Tuebingen
Classification: Likely benign. Last evaluated: 2026-09-01. Review status: criteria provided, single submitter. Criteria: CeGaT Center For Human Genetics Tuebingen Variant Classification Criteria Version 2. Collection method: clinical testing. Allele origin: germline. Affected: yes. Observed: 58 variant alleles. Not counted in ClinVar's aggregate classification.
Comment: PMS2: BP4, BP7

Labcorp Genetics (formerly Invitae), Labcorp
Classification: Benign for Hereditary nonpolyposis colorectal neoplasms. Last evaluated: 2026-02-03. Review status: criteria provided, single submitter. Criteria: Invitae Variant Classification Sherloc (09022015). Collection method: clinical testing. Allele origin: germline. Not counted in ClinVar's aggregate classification.

ARUP Laboratories, Molecular Genetics and Genomics, ARUP Laboratories
Classification: Benign. Last evaluated: 2025-04-04. Review status: criteria provided, single submitter. Criteria: ARUP Molecular Germline Variant Investigation Process 2024. Collection method: clinical testing. Allele origin: germline. Not counted in ClinVar's aggregate classification.

Center for Genomic Medicine, Rigshospitalet, Copenhagen University Hospital
Classification: Benign. Last evaluated: 2025-03-04. Review status: criteria provided, single submitter. Criteria: ACMG Guidelines, 2015. Collection method: clinical testing. Allele origin: germline. Not counted in ClinVar's aggregate classification.

Myriad Genetics, Inc.
Classification: Benign for Lynch syndrome 4. Last evaluated: 2025-01-30. Review status: criteria provided, single submitter. Criteria: Myriad Autosomal Dominant, Autosomal Recessive and X-Linked Classification Criteria (2023). Collection method: clinical testing. Allele origin: unknown. Not counted in ClinVar's aggregate classification.
Comment: This variant is considered benign. This variant is a silent/synonymous amino acid change and it is not expected to impact splicing.

Quest Diagnostics Nichols Institute San Juan Capistrano
Classification: Benign. Last evaluated: 2025-01-28. Review status: criteria provided, single submitter. Criteria: Quest Diagnostics criteria. Collection method: clinical testing. Allele origin: unknown. Not counted in ClinVar's aggregate classification.

Blueprint Genetics
Classification: Likely benign. Last evaluated: 2024-11-27. Review status: criteria provided, single submitter. Criteria: ACMG Guidelines, 2015. Collection method: clinical testing. Allele origin: germline. Not counted in ClinVar's aggregate classification.

CHEO Genetics Diagnostic Laboratory, Children's Hospital of Eastern Ontario
Classification: Benign for Breast and/or ovarian cancer. Last evaluated: 2021-06-08. Review status: criteria provided, single submitter. Criteria: ACMG Guidelines, 2015. Collection method: clinical testing. Allele origin: germline. Not counted in ClinVar's aggregate classification.

Genetic Services Laboratory, University of Chicago
Classification: Benign. Last evaluated: 2020-08-18. Review status: criteria provided, single submitter. Criteria: ACMG Guidelines, 2015. Collection method: clinical testing. Allele origin: germline. Affected: no. Not counted in ClinVar's aggregate classification.

Institute of Human Genetics, University of Leipzig Medical Center
Classification: Likely benign for Ovarian neoplasm. Last evaluated: 2019-01-01. Review status: criteria provided, single submitter. Criteria: ACMG Guidelines, 2015. Collection method: clinical testing. Allele origin: unknown. Affected: yes. Not counted in ClinVar's aggregate classification.

Eurofins Ntd Llc (ga)
Classification: Benign. Last evaluated: 2018-03-07. Review status: criteria provided, single submitter. Criteria: EGL ClinVar v180209 classification definitions. Collection method: clinical testing. Allele origin: germline. Observed: 1 variant allele, 1 heterozygote. Not counted in ClinVar's aggregate classification.

Illumina Laboratory Services, Illumina
Classification: Likely benign for Lynch syndrome 4. Last evaluated: 2018-01-12. Review status: criteria provided, single submitter. Criteria: ICSL Variant Classification Criteria 13 December 2019. Collection method: clinical testing. Allele origin: germline. Not counted in ClinVar's aggregate classification.
Comment: This variant was observed in the ICSL laboratory as part of a predisposition screen in an ostensibly healthy population. It had not been previously curated by ICSL or reported in the Human Gene Mutation Database (HGMD: prior to June 1st, 2018), and was therefore a candidate for classification through an automated scoring system. Utilizing variant allele frequency, disease prevalence and penetrance estimates, and inheritance mode, an automated score was calculated to assess if this variant is too frequent to cause the disease. Based on the score and internal cut-off values, a variant classified as likely benign is not then subjected to further curation. The score for this variant resulted in a classification of likely benign for this disease.

Color Diagnostics, LLC DBA Color Health
Classification: Benign for Hereditary cancer-predisposing syndrome. Last evaluated: 2015-04-24. Review status: criteria provided, single submitter. Criteria: ACMG Guidelines, 2015. Collection method: clinical testing. Allele origin: germline. Not counted in ClinVar's aggregate classification.

Ambry Genetics
Classification: Likely benign for Hereditary cancer-predisposing syndrome. Last evaluated: 2014-08-21. Review status: criteria provided, single submitter. Criteria: Ambry Variant Classification Scheme 2023. Collection method: clinical testing. Allele origin: germline. Not counted in ClinVar's aggregate classification.

GeneDx
Classification: Benign. Last evaluated: 2013-10-21. Review status: criteria provided, single submitter. Criteria: GeneDx Variant Classification (06012015). Collection method: clinical testing. Allele origin: germline. Affected: yes. Not counted in ClinVar's aggregate classification.
Comment: This variant is considered likely benign or benign based on one or more of the following criteria: it is a conservative change, it occurs at a poorly conserved position in the protein, it is predicted to be benign by multiple in silico algorithms, and/or has population frequency not consistent with disease.

PreventionGenetics, part of Exact Sciences
Classification: Benign. Review status: criteria provided, single submitter. Criteria: ACMG Guidelines, 2015. Collection method: clinical testing. Allele origin: germline. Not counted in ClinVar's aggregate classification.

True Health Diagnostics
Classification: Likely benign for Hereditary cancer-predisposing syndrome. Last evaluated: 2018-04-09. Review status: no assertion criteria provided. Collection method: clinical testing. Allele origin: germline. Not counted in ClinVar's aggregate classification.

Genome Diagnostics Laboratory, Amsterdam University Medical Center
Classification: Likely benign for Lynch syndrome 4. Last evaluated: 2015-09-07. Review status: no assertion criteria provided. Criteria: ACGS Guidelines, 2013. Collection method: clinical testing. Allele origin: germline. Affected: yes. Study: VKGL Data-share Consensus. Not counted in ClinVar's aggregate classification.

Clinical Genetics DNA and cytogenetics Diagnostics Lab, Erasmus MC, Erasmus Medical Center
Classification: Likely benign. Review status: no assertion criteria provided. Collection method: clinical testing. Allele origin: germline. Affected: yes. Study: VKGL Data-share Consensus. Not counted in ClinVar's aggregate classification.

Clinical Genetics, Academic Medical Center
Classification: Likely benign. Review status: no assertion criteria provided. Collection method: clinical testing. Allele origin: germline. Affected: yes. Study: VKGL Data-share Consensus. Not counted in ClinVar's aggregate classification.

Department of Pathology and Laboratory Medicine, Sinai Health System
Classification: Likely benign for Malignant tumor of breast. Review status: no assertion criteria provided. Collection method: clinical testing. Allele origin: unknown. Affected: yes. Observed: 14 variant alleles. Study: The Canadian Open Genetics Repository (COGR). Not counted in ClinVar's aggregate classification.
Comment: The PMS2 p.Ser523= variant was identified in 2 of 1038 proband chromosomes (frequency: 0.002) from individuals or families with colorectal cancer (Borras 2013, Niessen 2009). The variant was also identified in the following databases: dbSNP (ID: rs141458772) as With Likely benign allele, ClinVar (classified as benign by Invitae, GeneDx, Prevention Genetics; as likely benign by InSight, Ambry Genetics), Insight Colon Cancer Gene Variant Database (1X class2), Insight Hereditary Tumors Database (1X class2). The variant was not identified in the COGR, Zhejiang Colon Cancer Database, Mismatch Repair Genes Variant Databases. The variant was identified in control databases in 1721(31 homozygous) of 276904 chromosomes at a frequency of 0.006 increasing the likelihood this could be a low frequency benign variant (Genome Aggregation Consortium Feb 27, 2017). The silent p.Ser523= variant did not affect mRNA processing or stability by functional analysis at mRNA and protein level (Borras 2013). The p.Ser523= variant is not expected to have clinical significance because it does not result in a change of amino acid and is not located in a known consensus splice site. However, 1 of 5 in silico or computational prediction software programs (SpliceSiteFinder, MaxEntScan, NNSPLICE, GeneSplicer, HumanSpliceFinder) predict a greater than 10% difference in splicing; this information is not predictive enough to assume pathogenicity. In summary, based on the above information, the clinical significance of this variant cannot be determined with certainty at this time although we would lean towards a more benign role for this variant. This variant is classified as likely benign.

Diagnostic Laboratory, Department of Genetics, University Medical Center Groningen
Classification: Likely benign for Lynch syndrome 4. Review status: no assertion criteria provided. Collection method: clinical testing. Allele origin: germline. Affected: yes. Study: VKGL Data-share Consensus. Not counted in ClinVar's aggregate classification.

Joint Genome Diagnostic Labs from Nijmegen and Maastricht, Radboudumc and MUMC+
Classification: Likely benign. Review status: no assertion criteria provided. Collection method: clinical testing. Allele origin: germline. Affected: yes. Study: VKGL Data-share Consensus. Not counted in ClinVar's aggregate classification.

Laboratory of Diagnostic Genome Analysis, Leiden University Medical Center (LUMC)
Classification: Benign. Review status: no assertion criteria provided. Collection method: clinical testing. Allele origin: germline. Affected: yes. Study: VKGL Data-share Consensus. Not counted in ClinVar's aggregate classification.

Mayo Clinic Laboratories, Mayo Clinic
Classification: Benign. Review status: no assertion criteria provided. Collection method: clinical testing. Allele origin: unknown. Not counted in ClinVar's aggregate classification.

Literature cited by the submitters: PubMed 20205264 (cited by Quest Diagnostics Nichols Institute San Juan Capistrano); PubMed 19132747 (cited by Quest Diagnostics Nichols Institute San Juan Capistrano); PubMed 19526325 (cited by Quest Diagnostics Nichols Institute San Juan Capistrano); PubMed 23709753 (cited by Quest Diagnostics Nichols Institute San Juan Capistrano).